The following is an entry in ClinVar:

NM_007272.3(CTRC):c.788A>C (p.Asn263Thr)

Gene: CTRC (chymotrypsin C; plus strand). Cytogenetic location: 1p36.21.
Variant type: single nucleotide variant.
Coding change: c.788A>C on transcript NM_007272.3 (MANE Select); coding-DNA position 788, A replaced by C.
Protein change: p.Asn263Thr; replaces asparagine 263 with threonine.
Molecular consequence: missense variant.
Genome position (GRCh38, 1-based): chr1:15,445,745, A>C. VCF-style: chr1-15445745-A-C. GRCh37 (hg19) VCF-style: chr1-15772240-A-C.
Other names: short protein forms N263T.
Identifiers: ClinVar variation 1761026 (VCV001761026.6), dbSNP rs769975164, ClinGen allele CA613473.

ClinVar aggregate classification (germline): Uncertain significance. Review status: criteria provided, multiple submitters, no conflicts (2 of 4 stars). 2 submissions from 2 submitters: Uncertain significance (2). Last evaluated 2023-08-22.

Conditions:
Hereditary pancreatitis (PCTT). Also called: Hereditary chronic pancreatitis; PRSS1-Related Hereditary Pancreatitis. Identifiers: Orphanet 676, MedGen C0238339, MONDO:0008185, OMIM 167800.

Allele frequency attached by ClinVar (database versions not stated): 1000 Genomes Project 30x 0.00016.

Submissions (2):

Labcorp Genetics (formerly Invitae), Labcorp
Classification: Uncertain significance for Hereditary pancreatitis. Last evaluated: 2023-08-22. Review status: criteria provided, single submitter. Criteria: Invitae Variant Classification Sherloc (09022015). Collection method: clinical testing. Allele origin: germline.
Comment: This sequence change replaces asparagine, which is neutral and polar, with threonine, which is neutral and polar, at codon 263 of the CTRC protein (p.Asn263Thr). This variant is present in population databases (rs769975164, gnomAD 0.02%). This variant has not been reported in the literature in individuals affected with CTRC-related conditions. ClinVar contains an entry for this variant (Variation ID: 1761026). Advanced modeling of protein sequence and biophysical properties (such as structural, functional, and spatial information, amino acid conservation, physicochemical variation, residue mobility, and thermodynamic stability) performed at Invitae indicates that this missense variant is not expected to disrupt CTRC protein function. In summary, the available evidence is currently insufficient to determine the role of this variant in disease. Therefore, it has been classified as a Variant of Uncertain Significance.

Ambry Genetics
Classification: Uncertain significance for Hereditary pancreatitis. Last evaluated: 2023-08-13. Review status: criteria provided, single submitter. Criteria: Ambry Variant Classification Scheme 2023. Collection method: clinical testing. Allele origin: germline.
Comment: The p.N263T variant (also known as c.788A>C), located in coding exon 7 of the CTRC gene, results from an A to C substitution at nucleotide position 788. The asparagine at codon 263 is replaced by threonine, an amino acid with similar properties. This amino acid position is not well conserved in available vertebrate species. In addition, this alteration is predicted to be tolerated by in silico analysis. Since supporting evidence is limited at this time, the clinical significance of this alteration remains unclear.